The following is an entry in ClinVar:

ClinVar aggregate classification (germline): Uncertain significance (1 of 4 stars; one submission).

Conditions:
Wiskott-Aldrich syndrome 2 (WAS2). Also called: WIPF1 DEFICIENCY. Identifiers: Orphanet 906, MedGen C3281001, MONDO:0013779, OMIM 614493.

Submission:

Labcorp Genetics (formerly Invitae), Labcorp
Classification: Uncertain significance for Wiskott-Aldrich syndrome 2. Last evaluated: 2018-08-11. Review status: criteria provided, single submitter. Criteria: Invitae Variant Classification Sherloc (09022015). Collection method: clinical testing. Allele origin: germline.
Comment: This variant results in a copy number gain of the genomic region encompassing the full coding sequence of the WIPF1 gene. The boundaries of this event are unknown as they extend beyond the assayed region for this gene and therefore may encompass additional genes. As the precise location of this event is unknown, it may be in tandem or it may be located elsewhere in the genome. This variant has not been reported in the literature in individuals with WIPF1-related disease. In summary, the available evidence is currently insufficient to determine the role of this variant in disease. Therefore, it has been classified as a Variant of Uncertain Significance.

NC_000002.11:g.(?_175427255)_(175450321_?)dup

Genes: WIPF1 (WAS/WASL interacting protein family member 1; minus strand), WIPF1-AS1 (WIPF1 and CHRNA1 antisense RNA 1; plus strand), LOC129935136 (ATAC-STARR-seq lymphoblastoid silent region 12127; plus strand). Cytogenetic location: 2q31.1.
Variant type: Duplication.
Identifiers: ClinVar variation 646952 (VCV000646952.1).